The following is an entry in ClinVar:

NM_001127464.1:c.9886C>G

Gene: ZNF469 (zinc finger protein 469; plus strand).
Variant type: single nucleotide variant.
Identifiers: ClinVar variation 4845017 (VCV004845017.1).

ClinVar aggregate classification (germline): Uncertain significance (1 of 4 stars; one submission).

Conditions:
Cardiovascular phenotype. Identifiers: MedGen CN230736.

Submission:

Ambry Genetics
Classification: Uncertain significance for Cardiovascular phenotype. Last evaluated: 2026-02-13. Review status: criteria provided, single submitter. Criteria: Ambry Variant Classification Scheme 2023. Collection method: clinical testing. Allele origin: germline.
Comment: The p.Q3296E variant (also known as c.9886C>G), located in coding exon 2 of the ZNF469 gene, results from a C to G substitution at nucleotide position 9886. The glutamine at codon 3296 is replaced by glutamic acid, an amino acid with highly similar properties. This amino acid position is conserved. In addition, this alteration is predicted to be tolerated by in silico analysis. Based on the available evidence, the clinical significance of this variant remains unclear.